The following is an entry in ClinVar:

ClinVar aggregate classification (germline): Uncertain significance (1 of 4 stars; one submission).

Submission:

Labcorp Genetics (formerly Invitae), Labcorp
Classification: Uncertain significance. Last evaluated: 2024-05-15. Review status: criteria provided, single submitter. Criteria: Invitae Variant Classification Sherloc (09022015). Collection method: clinical testing. Allele origin: germline.
Comment: This sequence change replaces glutamic acid, which is acidic and polar, with alanine, which is neutral and non-polar, at codon 1671 of the IGSF10 protein (p.Glu1671Ala). This variant is present in population databases (no rsID available, gnomAD 0.0009%). This variant has not been reported in the literature in individuals affected with IGSF10-related conditions. ClinVar contains an entry for this variant (Variation ID: 2123545). An algorithm developed to predict the effect of missense changes on protein structure and function (PolyPhen-2) suggests that this variant is likely to be disruptive. Algorithms developed to predict the effect of sequence changes on RNA splicing suggest that this variant may create or strengthen a splice site. In summary, the available evidence is currently insufficient to determine the role of this variant in disease. Therefore, it has been classified as a Variant of Uncertain Significance.

NM_178822.5(IGSF10):c.5012A>C (p.Glu1671Ala)

Gene: IGSF10 (immunoglobulin superfamily member 10; minus strand). Cytogenetic location: 3q25.1.
Variant type: single nucleotide variant.
Coding change: c.5012A>C on transcript NM_178822.5 (MANE Select); coding-DNA position 5012, A replaced by C.
Protein change: p.Glu1671Ala; replaces glutamic acid 1671 with alanine.
Molecular consequence: missense variant.
Genome position (GRCh38, 1-based): chr3:151,444,969, T>G on the plus strand (A>C on the coding strand, the complement: IGSF10 is on the minus strand). VCF-style: chr3-151444969-T-G. GRCh37 (hg19) VCF-style: chr3-151162757-T-G.
Other names: c.5012A>C, p.Glu1671Ala (NM_001385060.1, NM_001385061.1, NM_001385062.1 and 1 more transcripts); short protein forms E1671A.
Identifiers: ClinVar variation 2123545 (VCV002123545.4), dbSNP rs1189530945, ClinGen allele CA354994781.